The following is an entry in ClinVar:

ClinVar aggregate classification (germline): Uncertain significance (1 of 4 stars; one submission).

gnomAD v4.1: 160 of 1,566,972 alleles (0.01%); highest among the groups gnomAD compares: Non-Finnish European, 0.013%; no homozygotes.

Submission:

Ambry Genetics
Classification: Uncertain significance. Last evaluated: 2024-11-17. Review status: criteria provided, single submitter. Criteria: Ambry Variant Classification Scheme 2023. Collection method: clinical testing. Allele origin: germline.
Comment: The p.P645L variant (also known as c.1934C>T), located in coding exon 8 of the WNK2 gene, results from a C to T substitution at nucleotide position 1934. The proline at codon 645 is replaced by leucine, an amino acid with similar properties. This amino acid position is conserved. In addition, this alteration is predicted to be tolerated by in silico analysis. Based on the available evidence, the clinical significance of this variant remains unclear.

NM_006648.4(WNK2):c.1934C>T (p.Pro645Leu)

Gene: WNK2 (WNK lysine deficient protein kinase 2; plus strand). Cytogenetic location: 9q22.31.
Variant type: single nucleotide variant.
Coding change: c.1934C>T on transcript NM_006648.4 (MANE Select); coding-DNA position 1934, C replaced by T.
Protein change: p.Pro645Leu; replaces proline 645 with leucine.
Molecular consequence: missense variant.
Genome position (GRCh38, 1-based): chr9:93,252,982, C>T. VCF-style: chr9-93252982-C-T. GRCh37 (hg19) VCF-style: chr9-96015264-C-T.
Other names: c.1934C>T, p.Pro645Leu (NM_001282394.3); short protein forms P645L.
Identifiers: ClinVar variation 3470135 (VCV003470135.1).